The following is an entry in ClinVar:

NM_002049.4(GATA1):c.49C>T (p.Gln17Ter)

Gene: GATA1 (GATA binding protein 1; plus strand). Cytogenetic location: Xp11.23.
Variant type: single nucleotide variant.
Coding change: c.49C>T on transcript NM_002049.4 (MANE Select); coding-DNA position 49, C replaced by T.
Protein change: p.Gln17Ter; replaces glutamine 17 with a stop codon.
Molecular consequence: nonsense.
Genome position (GRCh38, 1-based): chrX:48,791,158, C>T. VCF-style: chrX-48791158-C-T. GRCh37 (hg19) VCF-style: chrX-48649565-C-T.
Other names: short protein forms Q17*.
Identifiers: ClinVar variation 945515 (VCV000945515.8), dbSNP rs2062673523, ClinGen allele CA412866762.
Genomic context (GRCh38, chrX:48,791,158, plus strand): 5'-CCCAGAGGCTCCATGGAGTTCCCTGGCCTGGGGTCCCTGGGGACCTCAGAGCCCCTCCCC[C>T]AGTTTGTGGATCCTGCTCTGGTGTCCTCCACACCAGAATCAGGGGTTTTCTTCCCCTCTG-3'

ClinVar aggregate classification (germline): Pathogenic (1 of 4 stars; one submission).

Conditions:
Diamond-Blackfan anemia. Also called: Blackfan Diamond syndrome; Aregenerative anemia chronic congenital; Red cell aplasia, pure hereditary; Congenital hypoplastic anemia; Aase syndrome. Identifiers: Orphanet 124, MedGen C1260899, MeSH D029503, MONDO:0015253, HP:0004810.
GATA binding protein 1 related thrombocytopenia with dyserythropoiesis. Also called: GATA1-Related X-Linked Cytopenia; GATA1-Related Cytopenia. Identifiers: MedGen C1845837, MONDO:0100089.

Submission:

Labcorp Genetics (formerly Invitae), Labcorp
Classification: Pathogenic for GATA binding protein 1 related thrombocytopenia with dyserythropoiesis; Diamond-Blackfan anemia. Last evaluated: 2019-07-01. Review status: criteria provided, single submitter. Criteria: Invitae Variant Classification Sherloc (09022015). Collection method: clinical testing. Allele origin: germline.
Comment: This variant has not been reported in the literature in individuals with GATA1-related conditions. This variant is not present in population databases (ExAC no frequency). This sequence change creates a premature translational stop signal (p.Gln17*) in the GATA1 gene. It is expected to result in an absent or disrupted protein product. Loss-of-function variants in GATA1 are known to be pathogenic (PMID: 16783379, 22706301, 23704091, 24453067). For these reasons, this variant has been classified as Pathogenic.

Literature cited by the submitters: PubMed 16783379; PubMed 22706301; PubMed 23704091; PubMed 24453067.